The following is an entry in ClinVar:

ClinVar aggregate classification (germline): Benign. Review status: criteria provided, multiple submitters, no conflicts (2 of 4 stars). 6 submissions from 6 submitters: Benign (6). Last evaluated 2026-02-02.

Conditions:
Oto-palato-digital syndrome, type II (OPD2). Also called: FACIOPALATOOSSEOUS SYNDROME; Otopalatodigital Syndrome, Type II; Otopalatodigital Syndrome Type 2 (FLNA-OPD2); OPD II SYNDROME. Identifiers: Orphanet 669, Orphanet 90652, MedGen C1844696, MONDO:0010571, OMIM 304120.
Heterotopia, periventricular, X-linked dominant (PVNH1). Also called: X-linked periventricular heterotopia; PERIVENTRICULAR NODULAR HETEROTOPIA 1; PERIVENTRICULAR NODULAR HETEROTOPIA 4; HETEROTOPIA, PERIVENTRICULAR, 1. Identifiers: Orphanet 2149, Orphanet 82004, MedGen C1848213, MONDO:0010233, OMIM 300049.
Frontometaphyseal dysplasia (FMD1). Identifiers: Orphanet 1826, MedGen C0265293, MONDO:0015942.
Melnick-Needles syndrome (MNS). Also called: Melnick-Needles Syndrome (FLNA-MNS); MELNICK-NEEDLES OSTEODYSPLASTY; OSTEODYSPLASTY OF MELNICK AND NEEDLES. Identifiers: Orphanet 2484, MedGen C0025237, MONDO:0010650, OMIM 309350.

Allele frequency attached by ClinVar (database versions not stated): gnomAD exomes 0.00083 and 0.00208; ExAC 0.00253; ESP Exome Variant Server 0.00712; gnomAD 0.00739 and 0.00789; 1000 Genomes Project 0.00874; 1000 Genomes Project 30x 0.00957; TOPMed 0.00966.
gnomAD v4.1: 1,753 of 1,206,580 alleles (0.15%); highest among the groups gnomAD compares: African/African-American, 2.7%; 14 homozygotes.

Submissions (6):

Labcorp Genetics (formerly Invitae), Labcorp
Classification: Benign for Oto-palato-digital syndrome, type II; Heterotopia, periventricular, X-linked dominant; Frontometaphyseal dysplasia; Melnick-Needles syndrome. Last evaluated: 2026-02-02. Review status: criteria provided, single submitter. Criteria: Invitae Variant Classification Sherloc (09022015). Collection method: clinical testing. Allele origin: germline.

Blueprint Genetics
Classification: Benign. Last evaluated: 2024-11-25. Review status: criteria provided, single submitter. Criteria: ACMG Guidelines, 2015. Collection method: clinical testing. Allele origin: germline.

ARUP Laboratories, Molecular Genetics and Genomics, ARUP Laboratories
Classification: Benign. Last evaluated: 2023-09-18. Review status: criteria provided, single submitter. Criteria: ARUP Molecular Germline Variant Investigation Process 2024. Collection method: clinical testing. Allele origin: germline.

Women's Health and Genetics/Laboratory Corporation of America, LabCorp
Classification: Benign. Last evaluated: 2023-07-21. Review status: criteria provided, single submitter. Criteria: LabCorp Variant Classification Summary - May 2015. Collection method: clinical testing. Allele origin: germline.

GeneDx
Classification: Benign. Last evaluated: 2014-09-03. Review status: criteria provided, single submitter. Criteria: GeneDx Variant Classification (06012015). Collection method: clinical testing. Allele origin: germline. Affected: yes.
Comment: This variant is considered likely benign or benign based on one or more of the following criteria: it is a conservative change, it occurs at a poorly conserved position in the protein, it is predicted to be benign by multiple in silico algorithms, and/or has population frequency not consistent with disease.

PreventionGenetics, part of Exact Sciences
Classification: Benign. Review status: criteria provided, single submitter. Criteria: ACMG Guidelines, 2015. Collection method: clinical testing. Allele origin: germline.

NM_001110556.2(FLNA):c.1829-13T>C

Gene: FLNA (filamin A; minus strand). Cytogenetic location: Xq28.
Variant type: single nucleotide variant.
Coding change: c.1829-13T>C on transcript NM_001110556.2 (MANE Select); 13 bases into the intron before coding-DNA position 1829, T replaced by C.
Molecular consequence: intron variant.
Genome position (GRCh38, 1-based): chrX:154,364,732, A>G on the plus strand (T>C on the coding strand, the complement: FLNA is on the minus strand). VCF-style: chrX-154364732-A-G. GRCh37 (hg19) VCF-style: chrX-153593100-A-G.
Other names: c.1829-13T>C (NM_001456.4).
Identifiers: ClinVar variation 213438 (VCV000213438.22), dbSNP rs192905521, ClinGen allele CA321963.
Genomic context (GRCh38, chrX:154,364,732, plus strand): 5'-TGTCGTCACATTCGATCTTAGCCTGCGATGGCCCTTCCACCGAGAAGCCTGACAACAGCC[A>G]CCAGTCCCCTCAGTGCCCTGGAGCCTCAGGGTGGGCCGTCCTTGCCATCGTCTGTCCCCA-3'